The following is an entry in ClinVar:

ClinVar aggregate classification (germline): Conflicting classifications of pathogenicity. Review status: criteria provided, conflicting classifications (1 of 4 stars). 2 submissions from 2 submitters: Uncertain significance (1); Likely benign (1). Last evaluated 2025-08-02.

Conditions:
Inborn genetic diseases. Identifiers: MedGen C0950123, MeSH D030342.
Congenital disorder of glycosylation, type Iaa. Also called: Congenital disorder of glycosylation, type 1aa. Identifiers: MedGen C4310727, MONDO:0014904, OMIM 617082.

Allele frequency attached by ClinVar (database versions not stated): gnomAD exomes 0.00002 and 0.00007; gnomAD 0.00020; 1000 Genomes Project 30x 0.00047; TOPMed 0.00023; 1000 Genomes Project 0.00040.
gnomAD v4.1: 62 of 1,537,278 alleles (0.004%); highest among the groups gnomAD compares: African/African-American, 0.073%; no homozygotes.

Submissions (2):

Ambry Genetics
Classification: Likely benign for Inborn genetic diseases. Last evaluated: 2025-08-02. Review status: criteria provided, single submitter. Criteria: Ambry Variant Classification Scheme 2023. Collection method: clinical testing. Allele origin: germline.

Labcorp Genetics (formerly Invitae), Labcorp
Classification: Uncertain significance for Congenital disorder of glycosylation, type Iaa. Last evaluated: 2025-07-30. Review status: criteria provided, single submitter. Criteria: Invitae Variant Classification Sherloc (09022015). Collection method: clinical testing. Allele origin: germline.
Comment: This sequence change replaces glycine, which is neutral and non-polar, with glutamic acid, which is acidic and polar, at codon 75 of the NUS1 protein (p.Gly75Glu). This variant is present in population databases (rs557867164, gnomAD 0.08%), and has an allele count higher than expected for a pathogenic variant. This variant has not been reported in the literature in individuals affected with NUS1-related conditions. ClinVar contains an entry for this variant (Variation ID: 1523870). An algorithm developed to predict the effect of missense changes on protein structure and function (PolyPhen-2) suggests that this variant is likely to be tolerated. In summary, the available evidence is currently insufficient to determine the role of this variant in disease. Therefore, it has been classified as a Variant of Uncertain Significance.

NM_138459.5(NUS1):c.224G>A (p.Gly75Glu)

Gene: NUS1 (NUS1 dehydrodolichyl diphosphate synthase subunit; plus strand). Cytogenetic location: 6q22.1.
Variant type: single nucleotide variant.
Coding change: c.224G>A on transcript NM_138459.5 (MANE Select); coding-DNA position 224, G replaced by A.
Protein change: p.Gly75Glu; replaces glycine 75 with glutamic acid.
Molecular consequence: missense variant.
Genome position (GRCh38, 1-based): chr6:117,675,894, G>A. VCF-style: chr6-117675894-G-A. GRCh37 (hg19) VCF-style: chr6-117997057-G-A.
Other names: c.224G>A (NM_138459.3); short protein forms G75E.
Identifiers: ClinVar variation 1523870 (VCV001523870.7), dbSNP rs557867164, ClinGen allele CA146431391.